The following is an entry in ClinVar:

NM_000505.4(F12):c.677G>T (p.Arg226Leu)

Gene: F12 (coagulation factor XII; minus strand). Cytogenetic location: 5q35.3.
Variant type: single nucleotide variant.
Coding change: c.677G>T on transcript NM_000505.4 (MANE Select); coding-DNA position 677, G replaced by T.
Protein change: p.Arg226Leu; replaces arginine 226 with leucine.
Molecular consequence: missense variant.
Genome position (GRCh38, 1-based): chr5:177,404,622, C>A on the plus strand (G>T on the coding strand, the complement: F12 is on the minus strand). VCF-style: chr5-177404622-C-A. GRCh37 (hg19) VCF-style: chr5-176831623-C-A.
Other names: short protein forms R226L.
Identifiers: ClinVar variation 3344986 (VCV003344986.1).

ClinVar aggregate classification (germline): Uncertain significance (0 of 4 stars; one submission).

Conditions:
F12-related disorder. Also called: F12-related condition; F12-related disorders. Identifiers: MedGen CN239389.

Submission:

PreventionGenetics, part of Exact Sciences
Classification: Uncertain significance for F12-related condition. Last evaluated: 2024-05-22. Review status: no assertion criteria provided. Collection method: clinical testing. Allele origin: germline.
Comment: The F12 c.677G>T variant is predicted to result in the amino acid substitution p.Arg226Leu. To our knowledge, this variant has not been reported in the literature or in a large population database, indicating this variant is rare. At this time, the clinical significance of this variant is uncertain due to the absence of conclusive functional and genetic evidence.